The following is an entry in ClinVar:

ClinVar aggregate classification (germline): Uncertain significance. Review status: criteria provided, multiple submitters, no conflicts (2 of 4 stars). 3 submissions from 3 submitters: Uncertain significance (3). Last evaluated 2026-08-06.

Conditions:
Hypotonia, infantile, with psychomotor retardation and characteristic facies 3 (IHPRF3). Also called: TBCK-Related Neurodevelopmental Disorder. Identifiers: Orphanet 488632, MedGen C5567480, MONDO:0014823, OMIM 616900.
Inborn genetic diseases. Identifiers: MedGen C0950123, MeSH D030342.

Allele frequency attached by ClinVar (database versions not stated): gnomAD exomes 0.00003; ExAC 0.00005; gnomAD 0.00007; ESP Exome Variant Server 0.00015; 1000 Genomes Project 30x 0.00016; 1000 Genomes Project 0.00020.
gnomAD v4.1: 20 of 1,613,470 alleles (0.0012%); highest among the groups gnomAD compares: African/African-American, 0.023%; no homozygotes.

Submissions (3):

OLLIN Analises Genomicas, OLLIN
Classification: Uncertain significance for Hypotonia, infantile, with psychomotor retardation and characteristic facies 3. Last evaluated: 2026-08-06. Review status: criteria provided, single submitter. Criteria: ACMG Guidelines 2015 PMID 25741868. Collection method: clinical testing. Allele origin: germline.
Comment: This missense variant, located in exon 2 (of 26), has been reported in ClinVar (accession VCV001400470.7) and in gnomAD with an allele frequency of 0.0012%. However, to our knowledge, it has not been reported in the scientific literature. In silico analysis predicts that this variant has a tolerated effect. According to the currently available evidence, this variant has been classified as uncertain significance (PM2_P, BP4).

Labcorp Genetics (formerly Invitae), Labcorp
Classification: Uncertain significance. Last evaluated: 2025-02-03. Review status: criteria provided, single submitter. Criteria: Invitae Variant Classification Sherloc (09022015). Collection method: clinical testing. Allele origin: germline.
Comment: This sequence change replaces proline, which is neutral and non-polar, with threonine, which is neutral and polar, at codon 3 of the TBCK protein (p.Pro3Thr). The frequency data for this variant in the population databases is considered unreliable, as metrics indicate poor data quality at this position in the gnomAD database. This variant has not been reported in the literature in individuals affected with TBCK-related conditions. ClinVar contains an entry for this variant (Variation ID: 1400470). An algorithm developed to predict the effect of missense changes on protein structure and function (PolyPhen-2) suggests that this variant¬†is likely to be tolerated. In summary, the available evidence is currently insufficient to determine the role of this variant in disease. Therefore, it has been classified as a Variant of Uncertain Significance.

Ambry Genetics
Classification: Uncertain significance for Inborn genetic diseases. Last evaluated: 2021-08-30. Review status: criteria provided, single submitter. Criteria: Ambry Variant Classification Scheme 2023. Collection method: clinical testing. Allele origin: germline.

NM_001163435.3(TBCK):c.7C>A (p.Pro3Thr)

Gene: TBCK (TBC1 domain containing kinase; minus strand). Cytogenetic location: 4q24.
Variant type: single nucleotide variant.
Coding change: c.7C>A on transcript NM_001163435.3 (MANE Select); coding-DNA position 7, C replaced by A.
Protein change: p.Pro3Thr; replaces proline 3 with threonine.
Molecular consequence: missense variant. On other transcripts: 5 prime UTR variant (1).
Genome position (GRCh38, 1-based): chr4:106,308,954, G>T on the plus strand (C>A on the coding strand, the complement: TBCK is on the minus strand). VCF-style: chr4-106308954-G-T. GRCh37 (hg19) VCF-style: chr4-107230111-G-T.
Other names: c.7C>A (NM_001163435.1); c.7C>A, p.Pro3Thr (NM_001163436.4, NM_001163437.3, NM_033115.5); c.-611C>A (NM_001290768.2); short protein forms P3T.
Identifiers: ClinVar variation 1400470 (VCV001400470.8), dbSNP rs371875558, ClinGen allele CA3035560.